The following is an entry in ClinVar:

NM_144997.7(FLCN):c.1300+8C>T

Gene: FLCN (folliculin; minus strand). Cytogenetic location: 17p11.2.
Variant type: single nucleotide variant.
Coding change: c.1300+8C>T on transcript NM_144997.7 (MANE Select); 8 bases into the intron after coding-DNA position 1300, C replaced by T.
Molecular consequence: intron variant.
Genome position (GRCh38, 1-based): chr17:17,216,372, G>A on the plus strand (C>T on the coding strand, the complement: FLCN is on the minus strand). VCF-style: chr17-17216372-G-A. GRCh37 (hg19) VCF-style: chr17-17119686-G-A.
Other names: c.1300+8C>T (LRG_325t1, NM_001353231.2, NM_001353230.2); c.1354+8C>T (NM_001353229.2).
Identifiers: ClinVar variation 530021 (VCV000530021.11), dbSNP rs936407961, ClinGen allele CA288307021.

ClinVar aggregate classification (germline): Likely benign. Review status: criteria provided, multiple submitters, no conflicts (2 of 4 stars). 2 submissions from 2 submitters: Likely benign (2). Last evaluated 2025-11-03.

Conditions:
Birt-Hogg-Dube syndrome. Also called: Birt Hogg Dubé syndrome. Identifiers: Orphanet 122, MedGen C0346010, MONDO:0800444.
Birt-Hogg-Dube syndrome 1 (BHD1). Also called: FIBROFOLLICULOMAS WITH TRICHODISCOMAS AND ACROCHORDONS. Identifiers: Orphanet 122, MedGen CN375946, MONDO:0800445, OMIM 135150.

Allele frequency attached by ClinVar (database versions not stated): gnomAD exomes below 0.00001; TOPMed 0.00001.
gnomAD v4.1: 48 of 1,613,198 alleles (0.003%); highest among the groups gnomAD compares: Non-Finnish European, 0.0038%; no homozygotes.

Submissions (2):

Labcorp Genetics (formerly Invitae), Labcorp
Classification: Likely benign for Birt-Hogg-Dube syndrome. Last evaluated: 2025-11-03. Review status: criteria provided, single submitter. Criteria: Invitae Variant Classification Sherloc (09022015). Collection method: clinical testing. Allele origin: germline.

Myriad Genetics, Inc.
Classification: Likely benign for Birt-Hogg-Dube syndrome 1. Last evaluated: 2024-10-24. Review status: criteria provided, single submitter. Criteria: Myriad Autosomal Dominant, Autosomal Recessive and X-Linked Classification Criteria (2023). Collection method: clinical testing. Allele origin: unknown.
Comment: This variant is considered likely benign. This variant is intronic and is not expected to impact mRNA splicing.